The following is an entry in ClinVar:

ClinVar aggregate classification (germline): Uncertain significance (1 of 4 stars; one submission).

Allele frequency attached by ClinVar (database versions not stated): gnomAD exomes below 0.00001.
gnomAD v4.1: 2 of 1,606,648 alleles (0.00012%); highest among the groups gnomAD compares: Non-Finnish European, 0.00017%; no homozygotes.

Submission:

Labcorp Genetics (formerly Invitae), Labcorp
Classification: Uncertain significance. Last evaluated: 2023-12-28. Review status: criteria provided, single submitter. Criteria: Invitae Variant Classification Sherloc (09022015). Collection method: clinical testing. Allele origin: germline.
Comment: This sequence change replaces arginine, which is basic and polar, with histidine, which is basic and polar, at codon 1588 of the CACNA1E protein (p.Arg1588His). This variant is not present in population databases (gnomAD no frequency). This missense change has been observed in individual(s) with epilepsy (PMID: 31164858). Advanced modeling of protein sequence and biophysical properties (such as structural, functional, and spatial information, amino acid conservation, physicochemical variation, residue mobility, and thermodynamic stability) has been performed at Invitae for this missense variant, however the output from this modeling did not meet the statistical confidence thresholds required to predict the impact of this variant on CACNA1E protein function. In summary, the available evidence is currently insufficient to determine the role of this variant in disease. Therefore, it has been classified as a Variant of Uncertain Significance.

Literature cited by the submitters: PubMed 31164858.

NM_001205293.3(CACNA1E):c.4763G>A (p.Arg1588His)

Gene: CACNA1E (calcium voltage-gated channel subunit alpha1 E; plus strand). Cytogenetic location: 1q25.3.
Variant type: single nucleotide variant.
Coding change: c.4763G>A on transcript NM_001205293.3 (MANE Select); coding-DNA position 4763, G replaced by A.
Protein change: p.Arg1588His; replaces arginine 1588 with histidine.
Molecular consequence: missense variant.
Genome position (GRCh38, 1-based): chr1:181,763,479, G>A. VCF-style: chr1-181763479-G-A. GRCh37 (hg19) VCF-style: chr1-181732615-G-A.
Other names: c.4763G>A, p.Arg1588His (NM_000721.4); c.4706G>A, p.Arg1569His (NM_001205294.2); short protein forms R1588H, R1569H.
Identifiers: ClinVar variation 2907298 (VCV002907298.3), dbSNP rs2102723454, ClinGen allele CA343626391.